The following is an entry in ClinVar:

ClinVar aggregate classification (germline): Conflicting classifications of pathogenicity. Review status: criteria provided, conflicting classifications (1 of 4 stars). 3 submissions from 3 submitters: Uncertain significance (2); Likely benign (1). Last evaluated 2025-03-17.

Conditions:
Cardiovascular phenotype. Identifiers: MedGen CN230736.
Arrhythmogenic cardiomyopathy with wooly hair and keratoderma. Also called: Dilated cardiomyopathy with woolly hair and keratoderma; Arrhythmogenic cardiomyopathy with woolly hair and keratoderma; PALMOPLANTAR KERATODERMA WITH LEFT VENTRICULAR CARDIOMYOPATHY AND WOOLLY HAIR; Carvajal syndrome. Identifiers: Orphanet 65282, MedGen C1854063, MONDO:0011581, OMIM 605676.
Arrhythmogenic right ventricular dysplasia 8 (ARVD8). Also called: Arrhythmogenic Right Ventricular Dysplasia/Cardiomyopathy 8; ARRHYTHMOGENIC RIGHT VENTRICULAR DYSPLASIA, FAMILIAL, 8; ARRHYTHMOGENIC RIGHT VENTRICULAR CARDIOMYOPATHY 8. Identifiers: MedGen C1843896, MONDO:0011831, OMIM 607450.

Allele frequency attached by ClinVar (database versions not stated): TOPMed below 0.00001.

Submissions (3):

GeneDx
Classification: Uncertain significance. Last evaluated: 2025-03-17. Review status: criteria provided, single submitter. Criteria: GeneDx Variant Classification Process June 2021. Collection method: clinical testing. Allele origin: germline. Affected: yes.
Comment: Not observed at significant frequency in large population cohorts (gnomAD); In silico analysis supports that this missense variant has a deleterious effect on protein structure/function; Has not been previously published as pathogenic or benign to our knowledge

Ambry Genetics
Classification: Uncertain significance for Cardiovascular phenotype. Last evaluated: 2023-12-20. Review status: criteria provided, single submitter. Criteria: Ambry Variant Classification Scheme 2023. Collection method: clinical testing. Allele origin: germline.

Labcorp Genetics (formerly Invitae), Labcorp
Classification: Likely benign for Arrhythmogenic cardiomyopathy with wooly hair and keratoderma; Arrhythmogenic right ventricular dysplasia 8. Last evaluated: 2022-09-01. Review status: criteria provided, single submitter. Criteria: Invitae Variant Classification Sherloc (09022015). Collection method: clinical testing. Allele origin: germline.

NM_004415.4(DSP):c.706G>C (p.Asp236His)

Gene: DSP (desmoplakin; plus strand). Cytogenetic location: 6p24.3.
Variant type: single nucleotide variant.
Coding change: c.706G>C on transcript NM_004415.4 (MANE Select); coding-DNA position 706, G replaced by C.
Protein change: p.Asp236His; replaces aspartic acid 236 with histidine.
Molecular consequence: missense variant.
Genome position (GRCh38, 1-based): chr6:7,562,760, G>C. VCF-style: chr6-7562760-G-C. GRCh37 (hg19) VCF-style: chr6-7562993-G-C.
Other names: c.706G>C, p.Asp236His (NM_001319034.2, NM_001008844.3); c.706G>C (NM_004415.2); short protein forms D236H.
Identifiers: ClinVar variation 1051493 (VCV001051493.11), dbSNP rs1044634464, ClinGen allele CA133953312.